The following is an entry in ClinVar:

ClinVar aggregate classification (germline): Uncertain significance. Review status: criteria provided, single submitter (1 of 4 stars). 2 submissions from 2 submitters: Uncertain significance (1). 1 of the submissions does not count toward it. Last evaluated 2026-03-20.

Conditions:
Bifunctional peroxisomal enzyme deficiency (DBIF). Also called: DBP DEFICIENCY; PBFE DEFICIENCY; D-bifunctional protein deficiency. Identifiers: Orphanet 300, MedGen C0342870, MONDO:0009855, OMIM 261515. Disease mechanism: loss of function.

Submissions (2):

Women's Health and Genetics/Laboratory Corporation of America, LabCorp
Classification: Uncertain significance. Last evaluated: 2026-03-20. Review status: criteria provided, single submitter. Criteria: LabCorp Variant Classification Summary - May 2015. Collection method: clinical testing. Allele origin: germline.
Comment: Variant summary: HSD17B4 c.2133T>G (p.Ser711Arg) results in a non-conservative amino acid change in the encoded protein sequence. Algorithms developed to predict the effect of missense changes on protein structure and function are either unavailable or do not agree on the potential impact of this missense change. The variant was absent in 250850 control chromosomes (gnomAD). The available data on variant occurrences in the general population are insufficient to allow any conclusion about variant significance. To our knowledge, no occurrence of c.2133T>G in individuals affected with HSD17B4-related conditions and no experimental evidence demonstrating its impact on protein function have been reported. ClinVar contains an entry for this variant (Variation ID: 4069539). Based on the evidence outlined above, the variant was classified as uncertain significance.

Natera, Inc.
Classification: Uncertain significance for Bifunctional peroxisomal enzyme deficiency. Last evaluated: 2025-03-06. Review status: no assertion criteria provided. Collection method: clinical testing. Allele origin: germline. Not counted in ClinVar's aggregate classification.

NM_000414.4(HSD17B4):c.2133T>G (p.Ser711Arg)

Gene: HSD17B4 (hydroxysteroid 17-beta dehydrogenase 4; plus strand). Cytogenetic location: 5q23.1.
Variant type: single nucleotide variant.
Coding change: c.2133T>G on transcript NM_000414.4 (MANE Select); coding-DNA position 2133, T replaced by G.
Protein change: p.Ser711Arg; replaces serine 711 with arginine.
Molecular consequence: missense variant. On other transcripts: non-coding transcript variant (2).
Genome position (GRCh38, 1-based): chr5:119,541,916, T>G. VCF-style: chr5-119541916-T-G. GRCh37 (hg19) VCF-style: chr5-118877611-T-G.
Other names: c.2208T>G, p.Ser736Arg (NM_001199291.3); c.2079T>G, p.Ser693Arg (NM_001199292.2); c.2061T>G, p.Ser687Arg (NM_001292027.2, NM_001374498.1); c.1713T>G, p.Ser571Arg (NM_001292028.2); c.2124T>G, p.Ser708Arg (NM_001374497.1); c.1806T>G, p.Ser602Arg (NM_001374499.1); c.1692T>G, p.Ser564Arg (NM_001374500.1); c.1722T>G, p.Ser574Arg (NM_001374501.1, NM_001374502.1, NM_001374503.1); short protein forms S564R, S571R, S574R, S602R, S687R, S693R, S708R, S711R.
Identifiers: ClinVar variation 4069539 (VCV004069539.2).
Genomic context (GRCh38, chr5:119,541,916, plus strand): 5'-ACTATAACATGGTAACAGTTGGCACTCTTTTTCCCTCCTCTCCTTGCAGGCATTCTTTAG[T>G]GGCAGGCTGAAGGCCAGAGGGAACATCATGCTGAGCCAGAAACTTCAGATGATTCTTAAA-3'
Protein context (NP_000405.1, residues 701-721): GKLDPQKAFF[Ser711Arg]GRLKARGNIM